The following is an entry in ClinVar:

NM_052867.4(NALCN):c.4961G>A (p.Arg1654Gln)

Genes: NALCN-AS1 (NALCN antisense RNA 1; plus strand), NALCN (sodium leak channel, non-selective; minus strand). Cytogenetic location: 13q32.3.
Variant type: single nucleotide variant.
Coding change: c.4961G>A on transcript NM_052867.4 (MANE Select); coding-DNA position 4961, G replaced by A.
Protein change: p.Arg1654Gln; replaces arginine 1654 with glutamine.
Molecular consequence: missense variant. On other transcripts: non-coding transcript variant (1).
Genome position (GRCh38, 1-based): chr13:101,058,001, C>T on the plus strand (G>A on the coding strand, the complement: NALCN is on the minus strand). VCF-style: chr13-101058001-C-T. GRCh37 (hg19) VCF-style: chr13-101710353-C-T.
Other names: c.5048G>A, p.Arg1683Gln (NM_001350748.2); c.4961G>A, p.Arg1654Gln (NM_001350749.2); c.4874G>A, p.Arg1625Gln (NM_001350750.2, NM_001350751.2); short protein forms R1625Q, R1654Q, R1683Q.
Identifiers: ClinVar variation 1187074 (VCV001187074.11), dbSNP rs199629052, ClinGen allele CA7034961.

ClinVar aggregate classification (germline): Uncertain significance. Review status: criteria provided, multiple submitters, no conflicts (2 of 4 stars). 3 submissions from 3 submitters: Uncertain significance (3). Last evaluated 2026-08-30.

Conditions:
Congenital contractures of the limbs and face, hypotonia, and developmental delay (CLIFAHDD). Identifiers: Orphanet 562528, MedGen C4225398, MONDO:0014556, OMIM 616266.

Allele frequency attached by ClinVar (database versions not stated): gnomAD 0.00009 and 0.00008; ESP Exome Variant Server 0.00008; ExAC 0.00007; TOPMed 0.00010; 1000 Genomes Project 30x 0.00031; 1000 Genomes Project 0.00040.
gnomAD v4.1: 93 of 1,613,830 alleles (0.0058%); highest among the groups gnomAD compares: Middle Eastern, 0.066%; no homozygotes.

Submissions (3):

GeneDx
Classification: Uncertain significance. Last evaluated: 2026-08-30. Review status: criteria provided, single submitter. Criteria: GeneDx Variant Classification Process June 2021. Collection method: clinical testing. Allele origin: germline.
Comment: In silico analysis suggests that this missense variant does not alter protein structure/function; Has not been previously published as pathogenic or benign to our knowledge

Labcorp Genetics (formerly Invitae), Labcorp
Classification: Uncertain significance. Last evaluated: 2025-05-01. Review status: criteria provided, single submitter. Criteria: Invitae Variant Classification Sherloc (09022015). Collection method: clinical testing. Allele origin: germline.
Comment: This sequence change replaces arginine, which is basic and polar, with glutamine, which is neutral and polar, at codon 1654 of the NALCN protein (p.Arg1654Gln). This variant is present in population databases (rs199629052, gnomAD 0.03%). This variant has not been reported in the literature in individuals affected with NALCN-related conditions. ClinVar contains an entry for this variant (Variation ID: 1187074). Invitae Evidence Modeling of protein sequence and biophysical properties (such as structural, functional, and spatial information, amino acid conservation, physicochemical variation, residue mobility, and thermodynamic stability) indicates that this missense variant is not expected to disrupt NALCN protein function with a negative predictive value of 80%. In summary, the available evidence is currently insufficient to determine the role of this variant in disease. Therefore, it has been classified as a Variant of Uncertain Significance.

New York Genome Center
Classification: Uncertain significance for Congenital contractures of the limbs and face, hypotonia, and developmental delay. Last evaluated: 2021-03-13. Review status: criteria provided, single submitter. Criteria: NYGC Assertion Criteria 2020. Collection method: clinical testing. Allele origin: inherited. Observed: 1 heterozygote. Study: CSER-NYCKidSeq.